The following is an entry in ClinVar:

ClinVar aggregate classification (germline): Uncertain significance. Review status: criteria provided, multiple submitters, no conflicts (2 of 4 stars). 2 submissions from 2 submitters: Uncertain significance (2). Last evaluated 2026-01-13.

Conditions:
Dilated cardiomyopathy 1J (CMD1J). Also called: CARDIOMYOPATHY, DILATED, WITH SENSORINEURAL HEARING LOSS, AUTOSOMAL DOMINANT. Identifiers: Orphanet 217622, MedGen C1854368, MONDO:0011541, OMIM 605362.
Cardiovascular phenotype. Identifiers: MedGen CN230736.

Allele frequency attached by ClinVar (database versions not stated): gnomAD exomes below 0.00001; TOPMed below 0.00001; gnomAD 0.00001.

Submissions (2):

Labcorp Genetics (formerly Invitae), Labcorp
Classification: Uncertain significance for Dilated cardiomyopathy 1J. Last evaluated: 2026-01-13. Review status: criteria provided, single submitter. Criteria: Invitae Variant Classification Sherloc (09022015). Collection method: clinical testing. Allele origin: germline.
Comment: This sequence change replaces methionine, which is neutral and non-polar, with valine, which is neutral and non-polar, at codon 160 of the EYA4 protein (p.Met160Val). This variant is not present in population databases (gnomAD no frequency). This variant has not been reported in the literature in individuals affected with EYA4-related conditions. ClinVar contains an entry for this variant (Variation ID: 662923). An algorithm developed to predict the effect of missense changes on protein structure and function (PolyPhen-2) suggests that this variant is likely to be tolerated. In summary, the available evidence is currently insufficient to determine the role of this variant in disease. Therefore, it has been classified as a Variant of Uncertain Significance.

Ambry Genetics
Classification: Uncertain significance for Cardiovascular phenotype. Last evaluated: 2025-03-04. Review status: criteria provided, single submitter. Criteria: Ambry Variant Classification Scheme 2023. Collection method: clinical testing. Allele origin: germline.
Comment: The p.M160V variant (also known as c.478A>G), located in coding exon 7 of the EYA4 gene, results from an A to G substitution at nucleotide position 478. The methionine at codon 160 is replaced by valine, an amino acid with highly similar properties. This amino acid position is highly conserved in available vertebrate species. In addition, this alteration is predicted to be deleterious by in silico analysis. Since supporting evidence is limited at this time, the clinical significance of this alteration remains unclear.

NM_004100.5(EYA4):c.478A>G (p.Met160Val)

Gene: EYA4 (EYA transcriptional coactivator and phosphatase 4; plus strand). Cytogenetic location: 6q23.2.
Variant type: single nucleotide variant.
Coding change: c.478A>G on transcript NM_004100.5 (MANE Select); coding-DNA position 478, A replaced by G.
Protein change: p.Met160Val; replaces methionine 160 with valine.
Molecular consequence: missense variant.
Genome position (GRCh38, 1-based): chr6:133,462,375, A>G. VCF-style: chr6-133462375-A-G. GRCh37 (hg19) VCF-style: chr6-133783513-A-G.
Other names: c.316A>G, p.Met106Val (NM_001301012.2, NM_001370459.1); c.478A>G, p.Met160Val (NM_001301013.2, NM_172105.4); c.409A>G, p.Met137Val (NM_001370458.1, NM_172103.4); short protein forms M137V, M106V, M160V.
Identifiers: ClinVar variation 662923 (VCV000662923.11), dbSNP rs1268878098, ClinGen allele CA365697759.